The following is an entry in ClinVar:

NM_000787.4(DBH):c.1285C>T (p.Arg429Trp)

Gene: DBH (dopamine beta-hydroxylase; plus strand). Cytogenetic location: 9q34.2.
Variant type: single nucleotide variant.
Coding change: c.1285C>T on transcript NM_000787.4 (MANE Select); coding-DNA position 1285, C replaced by T.
Protein change: p.Arg429Trp; replaces arginine 429 with tryptophan.
Molecular consequence: missense variant.
Genome position (GRCh38, 1-based): chr9:133,651,727, C>T. VCF-style: chr9-133651727-C-T. GRCh37 (hg19) VCF-style: chr9-136516849-C-T.
Other names: short protein forms R429W.
Identifiers: ClinVar variation 1388584 (VCV001388584.3), dbSNP rs201083106, ClinGen allele CA5313411.
Genomic context (GRCh38, chr9:133,651,727, plus strand): 5'-TCTCAGCTCCACACACACCTGACTGGGAGAAAGGTGGTCACAGTGCTGGTCCGGGACGGC[C>T]GGGAGTGGGAGATCGTGAACCAGGACAATCACTACAGCCCTCACTTCCAGGTAGGAACCT-3'
Protein context (NP_000778.3, residues 419-439): KVVTVLVRDG[Arg429Trp]EWEIVNQDNH

ClinVar aggregate classification (germline): Uncertain significance (1 of 4 stars; one submission).

Conditions:
Orthostatic hypotension 1 (ORTHYP1). Also called: NORADRENALINE DEFICIENCY; NOREPINEPHRINE DEFICIENCY; Dopamine beta-hydroxylase deficiency; Orthostatic hypotension 1, due to DBH deficiency. Identifiers: Orphanet 230, MedGen C4746777, MONDO:0009123, OMIM 223360.

Allele frequency attached by ClinVar (database versions not stated): gnomAD 0.00001; TOPMed 0.00002; 1000 Genomes Project 30x 0.00016; 1000 Genomes Project 0.00020.
gnomAD v4.1: 35 of 1,613,842 alleles (0.0022%); highest among the groups gnomAD compares: East Asian, 0.029%; no homozygotes.

Submission:

Labcorp Genetics (formerly Invitae), Labcorp
Classification: Uncertain significance for Orthostatic hypotension 1. Last evaluated: 2022-02-17. Review status: criteria provided, single submitter. Criteria: Invitae Variant Classification Sherloc (09022015). Collection method: clinical testing. Allele origin: germline.
Comment: This sequence change replaces arginine, which is basic and polar, with tryptophan, which is neutral and slightly polar, at codon 429 of the DBH protein (p.Arg429Trp). This variant is present in population databases (rs201083106, gnomAD 0.008%). This variant has not been reported in the literature in individuals affected with DBH-related conditions. Algorithms developed to predict the effect of missense changes on protein structure and function are either unavailable or do not agree on the potential impact of this missense change (SIFT: "Deleterious"; PolyPhen-2: "Possibly Damaging"; Align-GVGD: "Class C0"). Algorithms developed to predict the effect of sequence changes on RNA splicing suggest that this variant is not likely to affect RNA splicing. In summary, the available evidence is currently insufficient to determine the role of this variant in disease. Therefore, it has been classified as a Variant of Uncertain Significance.